The following is an entry in ClinVar:

NM_001112726.3(CEP170B):c.1470C>T (p.Phe490=)

Gene: CEP170B (centrosomal protein 170B; plus strand). Cytogenetic location: 14q32.33.
Variant type: single nucleotide variant.
Coding change: c.1470C>T on transcript NM_001112726.3 (MANE Select); coding-DNA position 1470, C replaced by T.
Protein change: p.Phe490=; no amino-acid change (phenylalanine 490 retained).
Molecular consequence: synonymous variant.
Genome position (GRCh38, 1-based): chr14:104,884,249, C>T. VCF-style: chr14-104884249-C-T. GRCh37 (hg19) VCF-style: chr14-105350586-C-T.
Other names: c.1260C>T, p.Phe420= (NM_015005.3).
Identifiers: ClinVar variation 3050366 (VCV003050366.2), dbSNP rs370195295, ClinGen allele CA7375602.

ClinVar aggregate classification (germline): Likely benign (0 of 4 stars; one submission).

Conditions:
CEP170B-related disorder. Also called: CEP170B-related condition.

Allele frequency attached by ClinVar (database versions not stated): gnomAD 0.00016; TOPMed 0.00019.
gnomAD v4.1: 148 of 1,544,616 alleles (0.0096%); highest among the groups gnomAD compares: African/African-American, 0.06%; 1 homozygote.

Submission:

PreventionGenetics, part of Exact Sciences
Classification: Likely benign for CEP170B-related condition. Last evaluated: 2019-07-16. Review status: no assertion criteria provided. Collection method: clinical testing. Allele origin: germline.
Comment: This variant is classified as likely benign based on ACMG/AMP sequence variant interpretation guidelines (Richards et al. 2015 PMID: 25741868, with internal and published modifications).